The following is an entry in ClinVar:

NM_013382.7(POMT2):c.1117G>C (p.Val373Leu)

Gene: POMT2 (protein O-mannosyltransferase 2; minus strand). Cytogenetic location: 14q24.3.
Variant type: single nucleotide variant.
Coding change: c.1117G>C on transcript NM_013382.7 (MANE Select); coding-DNA position 1117, G replaced by C.
Protein change: p.Val373Leu; replaces valine 373 with leucine.
Molecular consequence: missense variant.
Genome position (GRCh38, 1-based): chr14:77,291,380, C>G on the plus strand (G>C on the coding strand, the complement: POMT2 is on the minus strand). VCF-style: chr14-77291380-C-G. GRCh37 (hg19) VCF-style: chr14-77757723-C-G.
Other names: short protein forms V373L.
Identifiers: ClinVar variation 2943696 (VCV002943696.3), dbSNP rs267606965, ClinGen allele CA390519017.

ClinVar aggregate classification (germline): Uncertain significance (1 of 4 stars; one submission).

Conditions:
Muscular dystrophy-dystroglycanopathy (congenital with impaired intellectual development), type B, 2. Also called: MUSCULAR DYSTROPHY, CONGENITAL, POMT2-RELATED; Muscular dystrophy-dystroglycanopathy (congenital with intellectual disability), type B2. Identifiers: MedGen C3150416, MONDO:0013160, OMIM 613156.
Muscular dystrophy-dystroglycanopathy (congenital with brain and eye anomalies), type A2. Also called: MUSCULAR DYSTROPHY-DYSTROGLYCANOPATHY (CONGENITAL WITH BRAIN AND EYE ANOMALIES), TYPE A, 2; WALKER-WARBURG SYNDROME OR MUSCLE-EYE-BRAIN DISEASE, POMT2-RELATED. Identifiers: Orphanet 588, Orphanet 899, MedGen C3150411, MONDO:0013154, OMIM 613150.
Autosomal recessive limb-girdle muscular dystrophy type 2N. Also called: MUSCULAR DYSTROPHY-DYSTROGLYCANOPATHY, LIMB-GIRDLE, POMT2-RELATED; Muscular dystrophy-dystroglycanopathy (limb-girdle), type C, 2. Identifiers: Orphanet 206559, MedGen C3150418, MONDO:0013162, OMIM 613158.

gnomAD v4.1: 1 of 1,520,962 alleles (0.000066%); no homozygotes.

Submission:

Labcorp Genetics (formerly Invitae), Labcorp
Classification: Uncertain significance for Muscular dystrophy-dystroglycanopathy (congenital with impaired intellectual development), type B, 2; Muscular dystrophy-dystroglycanopathy (congenital with brain and eye anomalies), type A2; Autosomal recessive limb-girdle muscular dystrophy type 2N. Last evaluated: 2023-07-12. Review status: criteria provided, single submitter. Criteria: Invitae Variant Classification Sherloc (09022015). Collection method: clinical testing. Allele origin: germline.
Comment: In summary, the available evidence is currently insufficient to determine the role of this variant in disease. Therefore, it has been classified as a Variant of Uncertain Significance. This sequence change replaces valine, which is neutral and non-polar, with leucine, which is neutral and non-polar, at codon 373 of the POMT2 protein (p.Val373Leu). This variant is not present in population databases (gnomAD no frequency). This variant has not been reported in the literature in individuals affected with POMT2-related conditions. An algorithm developed to predict the effect of missense changes on protein structure and function (PolyPhen-2) suggests that this variant is likely to be disruptive.